The following is an entry in ClinVar:

ClinVar aggregate classification (germline): Uncertain significance. Review status: criteria provided, multiple submitters, no conflicts (2 of 4 stars). 2 submissions from 2 submitters: Uncertain significance (2). Last evaluated 2026-07-28.

Conditions:
Hereditary pulmonary alveolar proteinosis. Also called: Pulmonary surfactant metabolism dysfunction. Identifiers: Orphanet 264675, MedGen C3711368, MONDO:0012580.

gnomAD v4.1: 46 of 1,613,424 alleles (0.0029%); highest among the groups gnomAD compares: Middle Eastern, 0.017%; no homozygotes.

Submissions (2):

Ambry Genetics
Classification: Uncertain significance for Hereditary pulmonary alveolar proteinosis. Last evaluated: 2026-07-28. Review status: criteria provided, single submitter. Criteria: Ambry Variant Classification Scheme 2023. Collection method: clinical testing. Allele origin: germline.
Comment: The c.3704-6A>G intronic variant results from an A to G substitution 6 nucleotides upstream from coding exon 22 in the ABCA3 gene. This nucleotide position is poorly conserved in available vertebrate species. In silico splice site analysis predicts that this alteration will result in the creation or strengthening of a novel splice acceptor site. Based on the available evidence, the clinical significance of this variant remains unclear.

Labcorp Genetics (formerly Invitae), Labcorp
Classification: Uncertain significance. Last evaluated: 2024-07-12. Review status: criteria provided, single submitter. Criteria: Invitae Variant Classification Sherloc (09022015). Collection method: clinical testing. Allele origin: germline.
Comment: This sequence change falls in intron 24 of the ABCA3 gene. It does not directly change the encoded amino acid sequence of the ABCA3 protein. This variant is present in population databases (rs779803150, gnomAD 0.008%). This variant has not been reported in the literature in individuals affected with ABCA3-related conditions. Algorithms developed to predict the effect of sequence changes on RNA splicing suggest that this variant may disrupt the consensus splice site. In summary, the available evidence is currently insufficient to determine the role of this variant in disease. Therefore, it has been classified as a Variant of Uncertain Significance.

NM_001089.3(ABCA3):c.3704-6A>G

Gene: ABCA3 (ATP binding cassette subfamily A member 3; minus strand). Cytogenetic location: 16p13.3.
Variant type: single nucleotide variant.
Coding change: c.3704-6A>G on transcript NM_001089.3 (MANE Select); 6 bases into the intron before coding-DNA position 3704, A replaced by G.
Molecular consequence: intron variant.
Genome position (GRCh38, 1-based): chr16:2,284,443, T>C on the plus strand (A>G on the coding strand, the complement: ABCA3 is on the minus strand). VCF-style: chr16-2284443-T-C. GRCh37 (hg19) VCF-style: chr16-2334444-T-C.
Other names: c.3704-6A>G (NM_001089.2).
Identifiers: ClinVar variation 3707317 (VCV003707317.3).